The following is an entry in ClinVar:

NM_000497.4(CYP11B1):c.239+167C>G

Gene: CYP11B1 (cytochrome P450 family 11 subfamily B member 1; minus strand). Cytogenetic location: 8q24.3.
Variant type: single nucleotide variant.
Coding change: c.239+167C>G on transcript NM_000497.4 (MANE Select); 167 bases into the intron after coding-DNA position 239, C replaced by G.
Molecular consequence: intron variant.
Genome position (GRCh38, 1-based): chr8:142,879,408, G>C on the plus strand (C>G on the coding strand, the complement: CYP11B1 is on the minus strand). VCF-style: chr8-142879408-G-C. GRCh37 (hg19) VCF-style: chr8-143960824-G-C.
Other names: c.239+167C>G (NM_001026213.1).
Identifiers: ClinVar variation 2658890 (VCV002658890.24), dbSNP rs186769755, ClinGen allele CA4905629.
Genomic context (GRCh38, chr8:142,879,408, plus strand): 5'-CAGTGCCTCTGAGTCCTGCCCTCTCTGCAGCGAGCTGGGATTTGCTCTGCACCATCCCCT[G>C]CCCTGGCAGCGCCACAGACCAGCACGTGCTGCACTCCTTCCCCATCTTCCAAAGGATGCA-3'

ClinVar aggregate classification (germline): Likely benign (1 of 4 stars; one submission).

Allele frequency attached by ClinVar (database versions not stated): gnomAD 0.00027; gnomAD exomes 0.00028; ExAC 0.00034; 1000 Genomes Project 30x 0.00094; 1000 Genomes Project 0.00100.
gnomAD v4.1: 464 of 1,612,610 alleles (0.029%); highest among the groups gnomAD compares: Middle Eastern, 0.35%; 4 homozygotes.

Submission:

CeGaT Center for Human Genetics Tuebingen
Classification: Likely benign. Last evaluated: 2023-01-01. Review status: criteria provided, single submitter. Criteria: CeGaT Center For Human Genetics Tuebingen Variant Classification Criteria Version 2. Collection method: clinical testing. Allele origin: germline. Affected: yes. Observed: 1 variant allele.
Comment: CYP11B1: BP4, BP7, BS2